The following is an entry in ClinVar:

ClinVar aggregate classification (germline): Uncertain significance (1 of 4 stars; one submission).

Allele frequency attached by ClinVar (database versions not stated): ExAC 0.00001.

Submission:

Labcorp Genetics (formerly Invitae), Labcorp
Classification: Uncertain significance. Last evaluated: 2024-11-19. Review status: criteria provided, single submitter. Criteria: Invitae Variant Classification Sherloc (09022015). Collection method: clinical testing. Allele origin: germline.
Comment: This sequence change affects the initiator methionine of the ABRAXAS1 mRNA. The next in-frame methionine is located at codon 50. The frequency data for this variant in the population databases is considered unreliable, as metrics indicate poor data quality at this position in the gnomAD database. This variant has not been reported in the literature in individuals affected with ABRAXAS1-related conditions. ClinVar contains an entry for this variant (Variation ID: 1057356). In summary, the available evidence is currently insufficient to determine the role of this variant in disease. Therefore, it has been classified as a Variant of Uncertain Significance.

NM_139076.3(ABRAXAS1):c.2T>C (p.Met1Thr)

Genes: ABRAXAS1 (abraxas 1, BRCA1 A complex subunit; minus strand), LOC129992784 (ATAC-STARR-seq lymphoblastoid silent region 15542; plus strand). Cytogenetic location: 4q21.23.
Variant type: single nucleotide variant.
Coding change: c.2T>C on transcript NM_139076.3 (MANE Select); coding-DNA position 2, T replaced by C.
Protein change: p.Met1Thr; changes the start codon (methionine 1).
Molecular consequence: missense variant, initiator codon variant. On other transcripts: 5 prime UTR variant (1).
Genome position (GRCh38, 1-based): chr4:83,485,071, A>G on the plus strand (T>C on the coding strand, the complement: ABRAXAS1 is on the minus strand). VCF-style: chr4-83485071-A-G. GRCh37 (hg19) VCF-style: chr4-84406224-A-G.
Other names: c.-259T>C (NM_001345962.2); short protein forms M1T.
Identifiers: ClinVar variation 1057356 (VCV001057356.9), dbSNP rs771491899, ClinGen allele CA2990700.